The following is an entry in ClinVar:

ClinVar aggregate classification (germline): Uncertain significance (1 of 4 stars; one submission).

Conditions:
Inborn genetic diseases. Identifiers: MedGen C0950123, MeSH D030342.

gnomAD v4.1: 1 of 1,613,430 alleles (0.000062%); highest among the groups gnomAD compares: African/African-American, 0.0013%; no homozygotes.

Submission:

Ambry Genetics
Classification: Uncertain significance for Inborn genetic diseases. Last evaluated: 2025-01-08. Review status: criteria provided, single submitter. Criteria: Ambry Variant Classification Scheme 2023. Collection method: clinical testing. Allele origin: germline.
Comment: The p.S1172N variant (also known as c.3515G>A), located in coding exon 1 of the SAMD9L gene, results from a G to A substitution at nucleotide position 3515. The serine at codon 1172 is replaced by asparagine, an amino acid with highly similar properties. This amino acid position is conserved. In addition, this alteration is predicted to be tolerated by in silico analysis. Based on the available evidence, the clinical significance of this variant remains unclear.

NM_152703.5(SAMD9L):c.3515G>A (p.Ser1172Asn)

Gene: SAMD9L (sterile alpha motif domain containing 9 like; minus strand). Cytogenetic location: 7q21.2.
Variant type: single nucleotide variant.
Coding change: c.3515G>A on transcript NM_152703.5 (MANE Select); coding-DNA position 3515, G replaced by A.
Protein change: p.Ser1172Asn; replaces serine 1172 with asparagine.
Molecular consequence: missense variant.
Genome position (GRCh38, 1-based): chr7:93,132,457, C>T on the plus strand (G>A on the coding strand, the complement: SAMD9L is on the minus strand). VCF-style: chr7-93132457-C-T. GRCh37 (hg19) VCF-style: chr7-92761770-C-T.
Other names: c.3515G>A, p.Ser1172Asn (NM_001303496.3, NM_001303497.3, NM_001303498.3 and 5 more transcripts); short protein forms S1172N.
Identifiers: ClinVar variation 3792290 (VCV003792290.1).
Genomic context (GRCh38, chr7:93,132,457, plus strand): 5'-TACATGTCATATCGTCTCTGGGACTTCTGTGGTGACCAGTTCTCGGTTTCATAGTTTTTA[C>T]TATCAGTTTGCCTTTGGGATTCTTTGAAAGCTCTTGAGGCTTTTTCCGCAGCTTCTAGGA-3'
Protein context (NP_689916.2, residues 1162-1182): AFKESQRQTD[Ser1172Asn]KNYETENWSP